The following is an entry in ClinVar:

ClinVar aggregate classification (germline): Benign. Review status: criteria provided, single submitter (1 of 4 stars). 2 submissions from 2 submitters: Benign (1). 1 of the submissions does not count toward it. Last evaluated 2025-12-06.

Conditions:
Primary ciliary dyskinesia. Also called: Ciliary dyskinesia. Identifiers: Orphanet 244, MedGen C0008780, MONDO:0016575, HP:0012265.
DNAH11-related disorder. Also called: DNAH11-related condition.

Allele frequency attached by ClinVar (database versions not stated): TOPMed 0.00005; gnomAD 0.00006; gnomAD exomes 0.00007; ExAC 0.00017; 1000 Genomes Project 0.00020; 1000 Genomes Project 30x 0.00047.
gnomAD v4.1: 108 of 1,613,314 alleles (0.0067%); highest among the groups gnomAD compares: East Asian, 0.21%; no homozygotes.

Submissions (2):

Labcorp Genetics (formerly Invitae), Labcorp
Classification: Benign for Primary ciliary dyskinesia. Last evaluated: 2025-12-06. Review status: criteria provided, single submitter. Criteria: Invitae Variant Classification Sherloc (09022015). Collection method: clinical testing. Allele origin: germline.

PreventionGenetics, part of Exact Sciences
Classification: Likely benign for DNAH11-related condition. Last evaluated: 2019-12-16. Review status: no assertion criteria provided. Collection method: clinical testing. Allele origin: germline. Not counted in ClinVar's aggregate classification.
Comment: This variant is classified as likely benign based on ACMG/AMP sequence variant interpretation guidelines (Richards et al. 2015 PMID: 25741868, with internal and published modifications).

NM_001277115.2(DNAH11):c.1767C>T (p.Ser589=)

Gene: DNAH11 (dynein axonemal heavy chain 11; plus strand). Cytogenetic location: 7p15.3.
Variant type: single nucleotide variant.
Coding change: c.1767C>T on transcript NM_001277115.2 (MANE Select); coding-DNA position 1767, C replaced by T.
Protein change: p.Ser589=; no amino-acid change (serine 589 retained).
Molecular consequence: synonymous variant.
Genome position (GRCh38, 1-based): chr7:21,588,120, C>T. VCF-style: chr7-21588120-C-T. GRCh37 (hg19) VCF-style: chr7-21627738-C-T.
Other names: c.1767C>T (NM_001277115.1); c.1767C>T, p.Ser589= (NM_003777.3).
Identifiers: ClinVar variation 2160761 (VCV002160761.6), dbSNP rs555285553, ClinGen allele CA4179094.